The following is an entry in ClinVar:

ClinVar aggregate classification (germline): Uncertain significance (1 of 4 stars; one submission).

Conditions:
Fabry disease. Also called: ALPHA-GALACTOSIDASE A DEFICIENCY; ANDERSON-FABRY DISEASE; CERAMIDE TRIHEXOSIDASE DEFICIENCY; GLA DEFICIENCY; HEREDITARY DYSTOPIC LIPIDOSIS; Angiokeratoma corporis diffusum. Identifiers: Orphanet 324, MedGen C0002986, MONDO:0010526, OMIM 301500, HP:0001071. Disease mechanism: Fabry disease is due to inactivating mutations in the X-linked GLA gene resulting in deficiency of the enzyme Alpha Galactosidase-A., loss of function.

Submission:

Genomenon, Inc
Classification: Uncertain significance for Fabry disease. Last evaluated: 2026-09-08. Review status: criteria provided, single submitter. Criteria: Genomenon Sequence Variant Interpretation Standards - Updated. Collection method: curation. Allele origin: germline. Affected: yes.
Comment: GLA p.Ile219Leu (c.655A>C) is a missense variant that changes the amino acid at codon 219 from Isoleucine to Leucine. This variant has been observed in at least one proband with clinical features consistent with Fabry disease (PMID:32442237). It is absent or not present at a significant frequency in gnomAD. In conclusion, we classify GLA p.Ile219Leu (c.655A>C) as a variant of uncertain significance.

Literature cited by the submitters: PubMed 32442237.

NM_000169.3(GLA):c.655A>C (p.Ile219Leu)

Genes: GLA (galactosidase alpha; minus strand), RPL36A-HNRNPH2 (RPL36A-HNRNPH2 readthrough; plus strand). Cytogenetic location: Xq22.1.
Variant type: single nucleotide variant.
Coding change: c.655A>C on transcript NM_000169.3 (MANE Select); coding-DNA position 655, A replaced by C.
Protein change: p.Ile219Leu; replaces isoleucine 219 with leucine.
Molecular consequence: missense variant. On other transcripts: non-coding transcript variant (3), intron variant (2).
Genome position (GRCh38, 1-based): chrX:101,398,931, T>G on the plus strand (A>C on the coding strand, the complement: GLA is on the minus strand). VCF-style: chrX-101398931-T-G. GRCh37 (hg19) VCF-style: chrX-100653919-T-G.
Other names: c.778A>C, p.Ile260Leu (NM_001406747.1); c.655A>C, p.Ile219Leu (NM_001406748.1); c.300+3474T>G (NM_001199973.2); c.177+7109T>G (NM_001199974.2); short protein forms I219L, I260L.
Identifiers: ClinVar variation 4087450 (VCV004087450.2).